The following is an entry in ClinVar:

NM_000088.4(COL1A1):c.451G>A (p.Gly151Arg)

Gene: COL1A1 (collagen type I alpha 1 chain; minus strand). Cytogenetic location: 17q21.33.
Variant type: single nucleotide variant.
Coding change: c.451G>A on transcript NM_000088.4 (MANE Select); coding-DNA position 451, G replaced by A.
Protein change: p.Gly151Arg; replaces glycine 151 with arginine.
Molecular consequence: missense variant.
Genome position (GRCh38, 1-based): chr17:50,199,246, C>T on the plus strand (G>A on the coding strand, the complement: COL1A1 is on the minus strand). VCF-style: chr17-50199246-C-T. GRCh37 (hg19) VCF-style: chr17-48276607-C-T.
Other names: short protein forms G151R.
Identifiers: ClinVar variation 2885946 (VCV002885946.5), dbSNP rs2509253387, ClinGen allele CA400227293.

ClinVar aggregate classification (germline): Uncertain significance. Review status: criteria provided, multiple submitters, no conflicts (2 of 4 stars). 2 submissions from 2 submitters: Uncertain significance (2). Last evaluated 2024-07-30.

Conditions:
Osteogenesis imperfecta type I (OI1). Also called: Osteogenesis imperfecta type 1; Lobstein's Disease; Lobstein disease; OI, TYPE I; OSTEOGENESIS IMPERFECTA TARDA; OSTEOGENESIS IMPERFECTA WITH BLUE SCLERAE. Identifiers: Orphanet 216796, Orphanet 666, MedGen C0023931, MONDO:0008146, OMIM 166200. Disease mechanism: loss of function.
Cardiovascular phenotype. Identifiers: MedGen CN230736.
Infantile cortical hyperostosis. Also called: Caffey Disease; P1PK BLOOD GROUP SYSTEM, P(2) PHENOTYPE; Hyperostosis, Cortical, Congenital. Identifiers: Orphanet 1310, MedGen C0020497, MONDO:0007244, OMIM 114000.
Osteogenesis imperfecta type III (OI3). Also called: Osteogenesis imperfecta type 3; OI type 3; Osteogenesis imperfecta, progressively deforming with normal sclerae; OI type III; Progressively Deforming Osteogenesis Imperfecta. Identifiers: Orphanet 216812, Orphanet 666, MedGen C0268362, MONDO:0009804, OMIM 259420.
Ehlers-Danlos syndrome, arthrochalasia type. Also called: Ehlers-Danlos syndrome, arthrochalasis type; ARTHROCHALASIS MULTIPLEX CONGENITA; EDS VII, MUTANT PROCOLLAGEN TYPE; EDS VIIA; Ehlers-Danlos syndrome, arthrochalasia type, 1. Identifiers: Orphanet 1899, Orphanet 99875, Orphanet 99876, MedGen C4551623, MONDO:0007525, OMIM 130060.

Submissions (2):

Labcorp Genetics (formerly Invitae), Labcorp
Classification: Uncertain significance for Osteogenesis imperfecta type I. Last evaluated: 2024-07-30. Review status: criteria provided, single submitter. Criteria: Invitae Variant Classification Sherloc (09022015). Collection method: clinical testing. Allele origin: germline.
Comment: This sequence change replaces glycine, which is neutral and non-polar, with arginine, which is basic and polar, at codon 151 of the COL1A1 protein (p.Gly151Arg). This variant is not present in population databases (gnomAD no frequency). This variant has not been reported in the literature in individuals affected with COL1A1-related conditions. Advanced modeling of protein sequence and biophysical properties (such as structural, functional, and spatial information, amino acid conservation, physicochemical variation, residue mobility, and thermodynamic stability) performed at Invitae indicates that this missense variant is expected to disrupt COL1A1 protein function with a positive predictive value of 95%. In summary, the available evidence is currently insufficient to determine the role of this variant in disease. Therefore, it has been classified as a Variant of Uncertain Significance.

Ambry Genetics
Classification: Uncertain significance for Cardiovascular phenotype. Last evaluated: 2024-07-29. Review status: criteria provided, single submitter. Criteria: Ambry Variant Classification Scheme 2023. Collection method: clinical testing. Allele origin: germline.
Comment: The p.G151R variant (also known as c.451G>A), located in coding exon 5 of the COL1A1 gene, results from a G to A substitution at nucleotide position 451. The glycine at codon 151 is replaced by arginine, an amino acid with dissimilar properties. This amino acid position is highly conserved in available vertebrate species. In addition, this alteration is predicted to be deleterious by in silico analysis. Based on the available evidence, the clinical significance of this variant remains unclear.